The following is an entry in ClinVar:

ClinVar aggregate classification (germline): Uncertain significance. Review status: criteria provided, multiple submitters, no conflicts (2 of 4 stars). 2 submissions from 2 submitters: Uncertain significance (2). Last evaluated 2022-03-09.

Conditions:
Glycine encephalopathy. Also called: Nonketotic hyperglycinemia; Non-ketotic hyperglycinemia. Identifiers: Orphanet 407, MedGen C0751748, MONDO:0011612, HP:0008288.
Glycine encephalopathy 1 (GCE1). Identifiers: MedGen CN376801, MONDO:0958179, OMIM 605899.

Allele frequency attached by ClinVar (database versions not stated): gnomAD exomes below 0.00001.
gnomAD v4.1: 1 of 1,610,344 alleles (0.000062%); highest among the groups gnomAD compares: Non-Finnish European, 0.000085%; no homozygotes.

Submissions (2):

Labcorp Genetics (formerly Invitae), Labcorp
Classification: Uncertain significance for Glycine encephalopathy. Last evaluated: 2022-03-09. Review status: criteria provided, single submitter. Criteria: Invitae Variant Classification Sherloc (09022015). Collection method: clinical testing. Allele origin: germline.
Comment: This variant is not present in population databases (gnomAD no frequency). In summary, the available evidence is currently insufficient to determine the role of this variant in disease. Therefore, it has been classified as a Variant of Uncertain Significance. Advanced modeling of protein sequence and biophysical properties (such as structural, functional, and spatial information, amino acid conservation, physicochemical variation, residue mobility, and thermodynamic stability) performed at Invitae indicates that this missense variant is expected to disrupt GLDC protein function. This variant has not been reported in the literature in individuals affected with GLDC-related conditions. This sequence change replaces cysteine, which is neutral and slightly polar, with tyrosine, which is neutral and polar, at codon 210 of the GLDC protein (p.Cys210Tyr).

ARUP Laboratories, Molecular Genetics and Genomics, ARUP Laboratories
Classification: Uncertain significance for Glycine encephalopathy 1. Review status: criteria provided, single submitter. Criteria: ARUP Molecular Germline Variant Investigation Process 2024. Collection method: clinical testing. Allele origin: germline.

NM_000170.3(GLDC):c.629G>A (p.Cys210Tyr)

Gene: GLDC (glycine decarboxylase; minus strand). Cytogenetic location: 9p24.1.
Variant type: single nucleotide variant.
Coding change: c.629G>A on transcript NM_000170.3 (MANE Select); coding-DNA position 629, G replaced by A.
Protein change: p.Cys210Tyr; replaces cysteine 210 with tyrosine.
Molecular consequence: missense variant.
Genome position (GRCh38, 1-based): chr9:6,610,198, C>T on the plus strand (G>A on the coding strand, the complement: GLDC is on the minus strand). VCF-style: chr9-6610198-C-T. GRCh37 (hg19) VCF-style: chr9-6610198-C-T.
Other names: short protein forms C210Y.
Identifiers: ClinVar variation 2108013 (VCV002108013.5), dbSNP rs2489110872, ClinGen allele CA372898122.